The following is an entry in ClinVar:

NM_182706.5(SCRIB):c.2536C>T (p.Leu846=)

Gene: SCRIB (scribble planar cell polarity protein; minus strand). Cytogenetic location: 8q24.3.
Variant type: single nucleotide variant.
Coding change: c.2536C>T on transcript NM_182706.5 (MANE Select); coding-DNA position 2536, C replaced by T.
Protein change: p.Leu846=; no amino-acid change (leucine 846 retained).
Molecular consequence: synonymous variant.
Genome position (GRCh38, 1-based): chr8:143,805,246, G>A on the plus strand (C>T on the coding strand, the complement: SCRIB is on the minus strand). VCF-style: chr8-143805246-G-A. GRCh37 (hg19) VCF-style: chr8-144887416-G-A.
Other names: c.2536C>T, p.Leu846= (NM_015356.5).
Identifiers: ClinVar variation 3057595 (VCV003057595.3), dbSNP rs752444859, ClinGen allele CA4919120.
Genomic context (GRCh38, chr8:143,805,246, plus strand): 5'-CCAGGCAGGCCACGTGGCGCTGACGGAGGGGCCCGGGGCTCTCAGGCGGGAGCAGGGGCA[G>A]GCGCAGCCCCCCTCCCCGCCGCTCTCGGGGGCTGTAATCATCCTCGGGCCGCAGCGGCGT-3'
Protein context (NP_874365.3, residues 836-856): PRERRGGGLR[Leu846=]PLLPPESPGP

ClinVar aggregate classification (germline): Likely benign. Review status: criteria provided, single submitter (1 of 4 stars). 2 submissions from 2 submitters: Likely benign (1). 1 of the submissions does not count toward it. Last evaluated 2024-11-21.

Conditions:
SCRIB-related disorder. Also called: SCRIB-related condition.

Allele frequency attached by ClinVar (database versions not stated): gnomAD 0.00005; gnomAD exomes 0.00005; TOPMed 0.00008.
gnomAD v4.1: 74 of 1,535,850 alleles (0.0048%); highest among the groups gnomAD compares: Non-Finnish European, 0.0061%; no homozygotes.

Submissions (2):

Blueprint Genetics
Classification: Likely benign. Last evaluated: 2024-11-21. Review status: criteria provided, single submitter. Criteria: ACMG Guidelines, 2015. Collection method: clinical testing. Allele origin: germline.

PreventionGenetics, part of Exact Sciences
Classification: Likely benign for SCRIB-related condition. Last evaluated: 2019-03-28. Review status: no assertion criteria provided. Collection method: clinical testing. Allele origin: germline. Not counted in ClinVar's aggregate classification.
Comment: This variant is classified as likely benign based on ACMG/AMP sequence variant interpretation guidelines (Richards et al. 2015 PMID: 25741868, with internal and published modifications).